The following is an entry in ClinVar:

NM_007347.5(AP4E1):c.148C>A (p.His50Asn)

Gene: AP4E1 (adaptor related protein complex 4 subunit epsilon 1; plus strand). Cytogenetic location: 15q21.2.
Variant type: single nucleotide variant.
Coding change: c.148C>A on transcript NM_007347.5 (MANE Select); coding-DNA position 148, C replaced by A.
Protein change: p.His50Asn; replaces histidine 50 with asparagine.
Molecular consequence: missense variant. On other transcripts: 5 prime UTR variant (1).
Genome position (GRCh38, 1-based): chr15:50,908,926, C>A. VCF-style: chr15-50908926-C-A. GRCh37 (hg19) VCF-style: chr15-51201123-C-A.
Other names: c.-101C>A (NM_001252127.2); short protein forms H50N.
Identifiers: ClinVar variation 2064014 (VCV002064014.4), dbSNP rs766231443, ClinGen allele CA7558652.
Genomic context (GRCh38, chr15:50,908,926, plus strand): 5'-GCGTCCTTCTCCTCGAGGCTGGGCAGCCTTGTCCGCGGCATCACAGCCCTCACCTCCAAG[C>A]ACGTAGGTGCCCGCCGGCCCGGGAGCTCAGGGACATCGGAGTGAGGCCCCCGCGCCAGGA-3'
Protein context (NP_031373.2, residues 40-60): VRGITALTSK[His50Asn]EEEKLIQQEL

ClinVar aggregate classification (germline): Uncertain significance (1 of 4 stars; one submission).

Conditions:
Spastic paraplegia. Identifiers: MedGen C0037772, HP:0001258.

Allele frequency attached by ClinVar (database versions not stated): gnomAD exomes below 0.00001; ExAC 0.00001.
gnomAD v4.1: 1 of 1,610,842 alleles (0.000062%); highest among the groups gnomAD compares: Non-Finnish European, 0.000085%; no homozygotes.

Submission:

Labcorp Genetics (formerly Invitae), Labcorp
Classification: Uncertain significance for Spastic paraplegia. Last evaluated: 2023-11-28. Review status: criteria provided, single submitter. Criteria: Invitae Variant Classification Sherloc (09022015). Collection method: clinical testing. Allele origin: germline.
Comment: This sequence change replaces histidine, which is basic and polar, with asparagine, which is neutral and polar, at codon 50 of the AP4E1 protein (p.His50Asn). The frequency data for this variant in the population databases is considered unreliable, as metrics indicate poor data quality at this position in the gnomAD database. This variant has not been reported in the literature in individuals affected with AP4E1-related conditions. ClinVar contains an entry for this variant (Variation ID: 2064014). An algorithm developed to predict the effect of missense changes on protein structure and function (PolyPhen-2) suggests that this variant is likely to be disruptive. In summary, the available evidence is currently insufficient to determine the role of this variant in disease. Therefore, it has been classified as a Variant of Uncertain Significance.